The following is an entry in ClinVar:

ClinVar aggregate classification (germline): Benign. Review status: criteria provided, multiple submitters, no conflicts (2 of 4 stars). 2 submissions from 2 submitters: Benign (2). Last evaluated 2018-06-14.

Allele frequency attached by ClinVar (database versions not stated): 1000 Genomes Project 30x 0.08073; 1000 Genomes Project 0.08247; TOPMed 0.11627; gnomAD 0.11962 and 0.12197; gnomAD exomes 0.14607.
gnomAD v4.1: 87,504 of 624,688 alleles (14%); highest among the groups gnomAD compares: Non-Finnish European, 17%; 7,059 homozygotes.

Submissions (2):

GeneDx
Classification: Benign. Last evaluated: 2018-06-14. Review status: criteria provided, single submitter. Criteria: GeneDx Variant Classification (06012015). Collection method: clinical testing. Allele origin: germline. Affected: yes.
Comment: This variant is considered likely benign or benign based on one or more of the following criteria: it is a conservative change, it occurs at a poorly conserved position in the protein, it is predicted to be benign by multiple in silico algorithms, and/or has population frequency not consistent with disease.

Breakthrough Genomics
Classification: Benign. Review status: criteria provided, single submitter. Criteria: ACMG Guidelines, 2015. Collection method: not provided. Allele origin: germline. Inheritance: Autosomal recessive inheritance. Affected: yes.

NM_130837.3(OPA1):c.2984-126T>C

Gene: OPA1 (OPA1 mitochondrial dynamin like GTPase; plus strand). Cytogenetic location: 3q29.
Variant type: single nucleotide variant.
Coding change: c.2984-126T>C on transcript NM_130837.3 (MANE Select); 126 bases into the intron before coding-DNA position 2984, T replaced by C.
Molecular consequence: intron variant.
Genome position (GRCh38, 1-based): chr3:193,691,937, T>C. VCF-style: chr3-193691937-T-C. GRCh37 (hg19) VCF-style: chr3-193409726-T-C.
Other names: c.2447-126T>C (NM_001354664.2); c.2450-126T>C (NM_001354663.2); c.2873-126T>C (NM_130834.3); c.2930-126T>C (NM_130836.3); c.2819-126T>C (NM_015560.3); c.2876-126T>C (NM_130835.3); c.2765-126T>C (NM_130832.3); c.2822-126T>C (NM_130833.3); and 1 more.
Identifiers: ClinVar variation 676245 (VCV000676245.2), dbSNP rs35661865, ClinGen allele CA11631356.